The following is an entry in ClinVar:

NM_020366.4(RPGRIP1):c.2099G>A (p.Arg700Gln)

Gene: RPGRIP1 (RPGR interacting protein 1; plus strand). Cytogenetic location: 14q11.2.
Variant type: single nucleotide variant.
Coding change: c.2099G>A on transcript NM_020366.4 (MANE Select); coding-DNA position 2099, G replaced by A.
Protein change: p.Arg700Gln; replaces arginine 700 with glutamine.
Molecular consequence: missense variant. On other transcripts: intron variant (4).
Genome position (GRCh38, 1-based): chr14:21,324,954, G>A. VCF-style: chr14-21324954-G-A. GRCh37 (hg19) VCF-style: chr14-21793113-G-A.
Other names: c.1025G>A, p.Arg342Gln (NM_001377948.1); c.796+229G>A (NM_001377949.1); c.689-2669G>A (NM_001377523.1, NM_001377950.1); c.191-2669G>A (NM_001377951.1); c.2099G>A (NM_020366.3); short protein forms R700Q, R342Q.
Identifiers: ClinVar variation 1509310 (VCV001509310.6), dbSNP rs768190736, ClinGen allele CA7089154.

ClinVar aggregate classification (germline): Conflicting classifications of pathogenicity. Review status: criteria provided, conflicting classifications (1 of 4 stars). 2 submissions from 2 submitters: Uncertain significance (1); Likely benign (1). Last evaluated 2025-07-31.

Conditions:
Inborn genetic diseases. Identifiers: MedGen C0950123, MeSH D030342.
Leber congenital amaurosis 6 (LCA6). Identifiers: Orphanet 65, MedGen C1854260, MONDO:0013446, OMIM 613826.
Cone-rod dystrophy 13 (CORD13). Identifiers: Orphanet 1872, MedGen C2750720, MONDO:0011987, OMIM 608194.

Allele frequency attached by ClinVar (database versions not stated): gnomAD 0.00001; TOPMed 0.00003; gnomAD exomes 0.00006; ExAC 0.00007.
gnomAD v4.1: 27 of 1,613,870 alleles (0.0017%); highest among the groups gnomAD compares: South Asian, 0.013%; no homozygotes.

Submissions (2):

Labcorp Genetics (formerly Invitae), Labcorp
Classification: Uncertain significance for Leber congenital amaurosis 6; Cone-rod dystrophy 13. Last evaluated: 2025-07-31. Review status: criteria provided, single submitter. Criteria: Invitae Variant Classification Sherloc (09022015). Collection method: clinical testing. Allele origin: germline.
Comment: This sequence change replaces arginine, which is basic and polar, with glutamine, which is neutral and polar, at codon 700 of the RPGRIP1 protein (p.Arg700Gln). This variant is present in population databases (rs768190736, gnomAD 0.03%). This variant has not been reported in the literature in individuals affected with RPGRIP1-related conditions. ClinVar contains an entry for this variant (Variation ID: 1509310). Invitae Evidence Modeling of protein sequence and biophysical properties (such as structural, functional, and spatial information, amino acid conservation, physicochemical variation, residue mobility, and thermodynamic stability) indicates that this missense variant is not expected to disrupt RPGRIP1 protein function with a negative predictive value of 80%. In summary, the available evidence is currently insufficient to determine the role of this variant in disease. Therefore, it has been classified as a Variant of Uncertain Significance.

Ambry Genetics
Classification: Likely benign for Inborn genetic diseases. Last evaluated: 2024-05-28. Review status: criteria provided, single submitter. Criteria: Ambry Variant Classification Scheme 2023. Collection method: clinical testing. Allele origin: germline.